The following is an entry in ClinVar:

ClinVar aggregate classification (germline): Uncertain significance (1 of 4 stars; one submission).

Conditions:
Autosomal recessive limb-girdle muscular dystrophy type 2J (LGMDR10). Also called: Limb-girdle muscular dystrophy, type 2J; MUSCULAR DYSTROPHY, LIMB-GIRDLE, AUTOSOMAL RECESSIVE 10. Identifiers: Orphanet 140922, MedGen C1837342, MONDO:0012127, OMIM 608807.

Submission:

MVZ Medizinische Genetik Mainz
Classification: Uncertain significance for Autosomal recessive limb-girdle muscular dystrophy type 2J. Last evaluated: 2025-10-29. Review status: criteria provided, single submitter. Criteria: UK Practice Guidelines For Variant Classification V4 01 2020. Collection method: clinical testing. Allele origin: germline. Inheritance: Autosomal recessive inheritance. Affected: yes. Observed: 1 variant allele.
Comment: ACMG Criteria: PM2_SUP,PP3; Compound Heterozygote

NM_001267550.2(TTN):c.26425T>C (p.Cys8809Arg)

Gene: TTN (titin; minus strand). Cytogenetic location: 2q31.2.
Variant type: single nucleotide variant.
Coding change: c.26425T>C on transcript NM_001267550.2 (MANE Select); coding-DNA position 26425, T replaced by C.
Protein change: p.Cys8809Arg; replaces cysteine 8809 with arginine.
Molecular consequence: missense variant. On other transcripts: intron variant (3).
Genome position (GRCh38, 1-based): chr2:178,714,349, A>G on the plus strand (T>C on the coding strand, the complement: TTN is on the minus strand). VCF-style: chr2-178714349-A-G. GRCh37 (hg19) VCF-style: chr2-179579076-A-G.
Other names: c.25474T>C, p.Cys8492Arg (NM_001256850.1); c.22693T>C, p.Cys7565Arg (NM_133378.4); c.13282+23733T>C (NM_003319.4); c.13858+23733T>C (NM_133437.4); c.13657+23733T>C (NM_133432.3); short protein forms C7565R, C8492R, C8809R.
Identifiers: ClinVar variation 5038224 (VCV005038224.1).